The following is an entry in ClinVar:

ClinVar aggregate classification (germline): Uncertain significance (1 of 4 stars; one submission).

Conditions:
Developmental and epileptic encephalopathy, 31A. Also called: Developmental and epileptic encephalopathy, 31; Epileptic encephalopathy, early infantile, 31. Identifiers: Orphanet 2382, MedGen C4225357, MONDO:0014598, OMIM 616346.

Submission:

Labcorp Genetics (formerly Invitae), Labcorp
Classification: Uncertain significance for Developmental and epileptic encephalopathy, 31A. Last evaluated: 2024-12-12. Review status: criteria provided, single submitter. Criteria: Invitae Variant Classification Sherloc (09022015). Collection method: clinical testing. Allele origin: germline.
Comment: This sequence change falls in intron 5 of the DNM1 gene. It does not directly change the encoded amino acid sequence of the DNM1 protein. It affects a nucleotide within the consensus splice site. This variant is not present in population databases (gnomAD no frequency). This variant has not been reported in the literature in individuals affected with DNM1-related conditions. Variants that disrupt the consensus splice site are a relatively common cause of aberrant splicing (PMID: 17576681, 9536098). Algorithms developed to predict the effect of sequence changes on RNA splicing suggest that this variant is not likely to affect RNA splicing. In summary, the available evidence is currently insufficient to determine the role of this variant in disease. Therefore, it has been classified as a Variant of Uncertain Significance.

Literature cited by the submitters: PubMed 17576681; PubMed 9536098.

NM_004408.4(DNM1):c.688+3A>G

Gene: DNM1 (dynamin 1; plus strand). Cytogenetic location: 9q34.11.
Variant type: single nucleotide variant.
Coding change: c.688+3A>G on transcript NM_004408.4 (MANE Select); 3 bases into the intron after coding-DNA position 688, A replaced by G.
Molecular consequence: intron variant.
Genome position (GRCh38, 1-based): chr9:128,220,089, A>G. VCF-style: chr9-128220089-A-G. GRCh37 (hg19) VCF-style: chr9-130982368-A-G.
Other names: c.688+3A>G (NM_001005336.3, NM_001374269.1, NM_001288738.2 and 2 more transcripts).
Identifiers: ClinVar variation 3689079 (VCV003689079.2).